The following is an entry in ClinVar:

ClinVar aggregate classification (germline): Pathogenic (1 of 4 stars; one submission).

Conditions:
GNPTAB-mucolipidosis. Also called: UDP-N-acetylglucosamine-1-phosphotransferase subunit alpha/beta deficiency. Identifiers: MedGen CN322573, MONDO:0100122.

Submission:

Myriad Genetics, Inc.
Classification: Pathogenic for GNPTAB-mucolipidosis. Last evaluated: 2026-03-25. Review status: criteria provided, single submitter. Criteria: Myriad Autosomal Dominant, Autosomal Recessive and X-Linked Classification Criteria (2023). Collection method: clinical testing. Allele origin: unknown.
Comment: NM_024312.4(GNPTAB):c.1657delA(T553Lfs*19) is expected to be pathogenic in the context of GNPTAB-related disorders. This variant is predicted to lead to an abnormal or absent protein product due to the creation of a premature termination codon in GNPTAB, a gene where loss-of-function variants are known to be pathogenic. Please note: this variant was assessed in the context of healthy population screening.

NM_024312.5(GNPTAB):c.1657del (p.Thr553fs)

Gene: GNPTAB (N-acetylglucosamine-1-phosphate transferase subunits alpha and beta; minus strand). Cytogenetic location: 12q23.2.
Variant type: Deletion.
Coding change: c.1657del on transcript NM_024312.5 (MANE Select); coding-DNA position 1657, one base deleted (A; older notation c.1657delA).
Protein change: p.Thr553fs; shifts the reading frame from threonine 553.
Molecular consequence: frameshift variant.
Genome position (GRCh38, 1-based): chr12:101,765,260, T deleted on the plus strand (A on the coding strand, the reverse complement: GNPTAB is on the minus strand). VCF-style (leftmost placement, unchanged base first): chr12-101765259-GT-G. GRCh37 (hg19) VCF-style: chr12-102159037-GT-G.
Other names: short protein forms T553fs.
Identifiers: ClinVar variation 5015730 (VCV005015730.1).